The following is an entry in ClinVar:

ClinVar aggregate classification (germline): Uncertain significance. Review status: criteria provided, multiple submitters, no conflicts (2 of 4 stars). 3 submissions from 3 submitters: Uncertain significance (3). Last evaluated 2024-05-31.

Conditions:
Hereditary cancer-predisposing syndrome. Also called: Neoplastic Syndromes, Hereditary; Tumor predisposition; Hereditary neoplastic syndrome; Hereditary Cancer Syndrome. Identifiers: Orphanet 140162, MedGen C0027672, MeSH D009386, MONDO:0015356.
BAP1-related tumor predisposition syndrome (TPDS1). Also called: BAP1 tumor predisposition syndrome; TUMOR PREDISPOSITION SYNDROME 1; Tumor susceptibility linked to germline BAP1 mutations; COMMON Syndrome. Identifiers: Orphanet 289539, MedGen C3280492, MONDO:0013692, OMIM 614327.

Submissions (3):

Ambry Genetics
Classification: Uncertain significance for Hereditary cancer-predisposing syndrome. Last evaluated: 2024-05-31. Review status: criteria provided, single submitter. Criteria: Ambry Variant Classification Scheme 2023. Collection method: clinical testing. Allele origin: germline.
Comment: The p.A378T variant (also known as c.1132G>A), located in coding exon 12 of the BAP1 gene, results from a G to A substitution at nucleotide position 1132. The alanine at codon 378 is replaced by threonine, an amino acid with similar properties. This amino acid position is conserved. In addition, the in silico prediction for this alteration is inconclusive. Based on the available evidence, the clinical significance of this variant remains unclear.

Labcorp Genetics (formerly Invitae), Labcorp
Classification: Uncertain significance for BAP1-related tumor predisposition syndrome. Last evaluated: 2024-04-17. Review status: criteria provided, single submitter. Criteria: Invitae Variant Classification Sherloc (09022015). Collection method: clinical testing. Allele origin: germline.
Comment: This sequence change replaces alanine, which is neutral and non-polar, with threonine, which is neutral and polar, at codon 378 of the BAP1 protein (p.Ala378Thr). This variant is not present in population databases (gnomAD no frequency). This variant has not been reported in the literature in individuals affected with BAP1-related conditions. ClinVar contains an entry for this variant (Variation ID: 578785). Advanced modeling of protein sequence and biophysical properties (such as structural, functional, and spatial information, amino acid conservation, physicochemical variation, residue mobility, and thermodynamic stability) performed at Invitae indicates that this missense variant is not expected to disrupt BAP1 protein function with a negative predictive value of 80%. In summary, the available evidence is currently insufficient to determine the role of this variant in disease. Therefore, it has been classified as a Variant of Uncertain Significance.

GeneDx
Classification: Uncertain significance. Last evaluated: 2023-10-18. Review status: criteria provided, single submitter. Criteria: GeneDx Variant Classification Process June 2021. Collection method: clinical testing. Allele origin: germline. Affected: yes.
Comment: Not observed at significant frequency in large population cohorts (gnomAD); In silico analysis supports that this missense variant does not alter protein structure/function; Has not been previously published as pathogenic or benign to our knowledge

NM_004656.4(BAP1):c.1132G>A (p.Ala378Thr)

Gene: BAP1 (BRCA1 associated deubiquitinase 1; minus strand). Cytogenetic location: 3p21.1.
Variant type: single nucleotide variant.
Coding change: c.1132G>A on transcript NM_004656.4 (MANE Select); coding-DNA position 1132, G replaced by A.
Protein change: p.Ala378Thr; replaces alanine 378 with threonine.
Molecular consequence: missense variant.
Genome position (GRCh38, 1-based): chr3:52,404,571, C>T on the plus strand (G>A on the coding strand, the complement: BAP1 is on the minus strand). VCF-style: chr3-52404571-C-T. GRCh37 (hg19) VCF-style: chr3-52438587-C-T.
Other names: c.1132G>A (NM_004656.2); short protein forms A378T.
Identifiers: ClinVar variation 578785 (VCV000578785.8), dbSNP rs1559587924, ClinGen allele CA353103413.